The following is an entry in ClinVar:

ClinVar aggregate classification (germline): Uncertain significance (1 of 4 stars; one submission).

Conditions:
DDX41-related hematologic malignancy predisposition syndrome. Also called: DDX41-Associated Familial Myelodysplastic Syndrome and Acute Myeloid Leukemia; Myeloproliferative/lymphoproliferative neoplasms, familial (multiple types), susceptibility to. Identifiers: Orphanet 488647, MedGen C4225174, MONDO:0014809, OMIM 616871.

Submission:

Institute of Human Genetics, University of Leipzig Medical Center
Classification: Uncertain significance for DDX41-related hematologic malignancy predisposition syndrome. Last evaluated: 2024-06-21. Review status: criteria provided, single submitter. Criteria: ACMG Guidelines, 2015. Collection method: clinical testing. Allele origin: unknown. Inheritance: Autosomal dominant inheritance. Affected: yes.
Comment: Criteria applied: PM2_SUP

NM_016222.4(DDX41):c.1542G>C (p.Glu514Asp)

Gene: DDX41 (DEAD-box helicase 41; minus strand). Cytogenetic location: 5q35.3.
Variant type: single nucleotide variant.
Coding change: c.1542G>C on transcript NM_016222.4 (MANE Select); coding-DNA position 1542, G replaced by C.
Protein change: p.Glu514Asp; replaces glutamic acid 514 with aspartic acid.
Molecular consequence: missense variant.
Genome position (GRCh38, 1-based): chr5:177,512,503, C>G on the plus strand (G>C on the coding strand, the complement: DDX41 is on the minus strand). VCF-style: chr5-177512503-C-G. GRCh37 (hg19) VCF-style: chr5-176939504-C-G.
Other names: c.1164G>C, p.Glu388Asp (NM_001321732.2, NM_001321830.2); short protein forms E388D, E514D.
Identifiers: ClinVar variation 3359040 (VCV003359040.2).
Genomic context (GRCh38, chr5:177,512,503, plus strand): 5'-CTGGCTTGGCCCTTTTCCGGCCTAACCCATGCCCTTGGGCCCCAGGCTCTTACCATAGTT[C>G]TCAATCTCCTCTGGCATGTCATAATTGATGACGTGCTGGATGGCAGGGAAGTCCAGGCCC-3'
Protein context (NP_057306.2, residues 504-524): VINYDMPEEI[Glu514Asp]NYVHRIGRTG